The following is an entry in ClinVar:

NM_001130987.2(DYSF):c.2107C>T (p.Leu703=)

Gene: DYSF (dysferlin; plus strand). Cytogenetic location: 2p13.2.
Variant type: single nucleotide variant.
Coding change: c.2107C>T on transcript NM_001130987.2 (MANE Select); coding-DNA position 2107, C replaced by T.
Protein change: p.Leu703=; no amino-acid change (leucine 703 retained).
Molecular consequence: synonymous variant.
Genome position (GRCh38, 1-based): chr2:71,553,929, C>T. VCF-style: chr2-71553929-C-T. GRCh37 (hg19) VCF-style: chr2-71781059-C-T.
Other names: c.2056C>T, p.Leu686= (NM_001130455.2, NM_001130983.2); c.2011C>T, p.Leu671= (NM_001130976.2, NM_001130977.2); c.2053C>T, p.Leu685= (NM_001130978.2, NM_003494.4); c.2146C>T, p.Leu716= (NM_001130979.2); c.2104C>T, p.Leu702= (NM_001130980.2, NM_001130981.2); c.2149C>T, p.Leu717= (NM_001130982.2); c.2014C>T, p.Leu672= (NM_001130984.2, NM_001130986.2); c.2107C>T, p.Leu703= (NM_001130985.2).
Identifiers: ClinVar variation 1474516 (VCV001474516.8), dbSNP rs74423119, ClinGen allele CA426701441.
Genomic context (GRCh38, chr2:71,553,929, plus strand): 5'-TGGGAGGACATCAGCCATAGAATCGAGACTCAGAACCAGCTGCTTGGGATTGCTGACCGG[C>T]TGGTGAGTGAAAACTTGCCCAAAGCTGCACATGCCTATGCATGCACCTGCTACCCCCGCT-3'
Protein context (NP_001124459.1, residues 693-713): QNQLLGIADR[Leu703=]EAGLEQVHLA

ClinVar aggregate classification (germline): Uncertain significance (1 of 4 stars; one submission).

Conditions:
Neuromuscular disease caused by qualitative or quantitative defects of dysferlin. Also called: Dysferlinopathy; Qualitative or quantitative defects of dysferlin. Identifiers: Orphanet 207073, MedGen C2931687, MONDO:0016145.

Submission:

Labcorp Genetics (formerly Invitae), Labcorp
Classification: Uncertain significance for Neuromuscular disease caused by qualitative or quantitative defects of dysferlin. Last evaluated: 2022-07-17. Review status: criteria provided, single submitter. Criteria: Invitae Variant Classification Sherloc (09022015). Collection method: clinical testing. Allele origin: germline.
Comment: This sequence change affects codon 685 of the DYSF mRNA. It is a 'silent' change, meaning that it does not change the encoded amino acid sequence of the DYSF protein. This variant is not present in population databases (gnomAD no frequency). This variant has not been reported in the literature in individuals affected with DYSF-related conditions. ClinVar contains an entry for this variant (Variation ID: 1474516). Algorithms developed to predict the effect of sequence changes on RNA splicing suggest that this variant may create or strengthen a splice site. In summary, the available evidence is currently insufficient to determine the role of this variant in disease. Therefore, it has been classified as a Variant of Uncertain Significance.